The following is an entry in ClinVar:

NM_000179.3(MSH6):c.28T>A (p.Phe10Ile)

Gene: MSH6 (mutS homolog 6; plus strand). Cytogenetic location: 2p16.3.
Variant type: single nucleotide variant.
Coding change: c.28T>A on transcript NM_000179.3 (MANE Select); coding-DNA position 28, T replaced by A.
Protein change: p.Phe10Ile; replaces phenylalanine 10 with isoleucine.
Molecular consequence: missense variant. On other transcripts: 5 prime UTR variant (8), non-coding transcript variant (5), intron variant (5).
Genome position (GRCh38, 1-based): chr2:47,783,261, T>A. VCF-style: chr2-47783261-T-A. GRCh37 (hg19) VCF-style: chr2-48010400-T-A.
Other names: c.28T>A, p.Phe10Ile (NM_001281492.2, NM_001406795.1, NM_001406796.1 and 9 more transcripts); c.-709T>A (NM_001281493.2, NM_001406811.1); c.-301T>A (NM_001406799.1); c.-28T>A (NM_001406804.1); c.-901T>A (NM_001406807.1); c.-556T>A (NM_001406812.1); c.-967T>A (NM_001406814.1); c.-512T>A (NM_001406816.1); and 3 more; short protein forms F10I.
Identifiers: ClinVar variation 2567465 (VCV002567465.3), dbSNP rs773861137, ClinGen allele CA346734512.

ClinVar aggregate classification (germline): Uncertain significance. Review status: criteria provided, multiple submitters, no conflicts (2 of 4 stars). 2 submissions from 2 submitters: Uncertain significance (2). Last evaluated 2025-04-13.

Conditions:
Hereditary nonpolyposis colorectal neoplasms. Identifiers: MedGen C0009405, MeSH D003123.
Hereditary cancer-predisposing syndrome. Also called: Hereditary neoplastic syndrome; Hereditary Cancer Syndrome; Neoplastic Syndromes, Hereditary; Tumor predisposition. Identifiers: Orphanet 140162, MedGen C0027672, MeSH D009386, MONDO:0015356.

Submissions (2):

Labcorp Genetics (formerly Invitae), Labcorp
Classification: Uncertain significance for Hereditary nonpolyposis colorectal neoplasms. Last evaluated: 2025-04-13. Review status: criteria provided, single submitter. Criteria: Invitae Variant Classification Sherloc (09022015). Collection method: clinical testing. Allele origin: germline.
Comment: This sequence change replaces phenylalanine, which is neutral and non-polar, with isoleucine, which is neutral and non-polar, at codon 10 of the MSH6 protein (p.Phe10Ile). This variant is not present in population databases (gnomAD no frequency). This variant has not been reported in the literature in individuals affected with MSH6-related conditions. ClinVar contains an entry for this variant (Variation ID: 2567465). Invitae Evidence Modeling of protein sequence and biophysical properties (such as structural, functional, and spatial information, amino acid conservation, physicochemical variation, residue mobility, and thermodynamic stability) indicates that this missense variant is not expected to disrupt MSH6 protein function with a negative predictive value of 95%. In summary, the available evidence is currently insufficient to determine the role of this variant in disease. Therefore, it has been classified as a Variant of Uncertain Significance.

Ambry Genetics
Classification: Uncertain significance for Hereditary cancer-predisposing syndrome. Last evaluated: 2023-05-03. Review status: criteria provided, single submitter. Criteria: Ambry Variant Classification Scheme 2023. Collection method: clinical testing. Allele origin: germline.
Comment: The p.F10I variant (also known as c.28T>A), located in coding exon 1 of the MSH6 gene, results from a T to A substitution at nucleotide position 28. The phenylalanine at codon 10 is replaced by isoleucine, an amino acid with highly similar properties. This alteration was observed once in the control ExAC (non-TCGA) dataset in a study of PTEN-negative patients who met at least the relaxed diagnostic criteria of the International Cowden Consortium (Lee YR et al. N Engl J Med, 2020 May;382:2103-2116). This amino acid position is well conserved in available vertebrate species. In addition, the in silico prediction for this alteration is inconclusive. Since supporting evidence is limited at this time, the clinical significance of this alteration remains unclear.

Literature cited by the submitters: PubMed 32459922 (cited by Ambry Genetics).